The following is an entry in ClinVar:

NM_002778.4(PSAP):c.1174C>T (p.Arg392Trp)

Gene: PSAP (prosaposin; minus strand). Cytogenetic location: 10q22.1.
Variant type: single nucleotide variant.
Coding change: c.1174C>T on transcript NM_002778.4 (MANE Select); coding-DNA position 1174, C replaced by T.
Protein change: p.Arg392Trp; replaces arginine 392 with tryptophan.
Molecular consequence: missense variant.
Genome position (GRCh38, 1-based): chr10:71,819,732, G>A on the plus strand (C>T on the coding strand, the complement: PSAP is on the minus strand). VCF-style: chr10-71819732-G-A. GRCh37 (hg19) VCF-style: chr10-73579489-G-A.
Other names: c.1174C>T (NM_002778.2); c.1183C>T, p.Arg395Trp (NM_001042465.3); c.1180C>T, p.Arg394Trp (NM_001042466.3); short protein forms R394W, R392W, R395W.
Identifiers: ClinVar variation 2055786 (VCV002055786.2), dbSNP rs554525095, ClinGen allele CA5547468.
Genomic context (GRCh38, chr10:71,819,732, plus strand): 5'-AAGAGGGGCACCATCCTCTCCCGCACCACACCCAGCGCTCACCGGTCAGTGCAGGCAGCC[G>A]CGTGCCAGAGCAGAGGTGCAGCATGCTGCACACCAGCTCAGGGCTGACCTCCTCCAGCAG-3'
Protein context (NP_002769.1, residues 382-402): CSMLHLCSGT[Arg392Trp]LPALTVHVTQ

ClinVar aggregate classification (germline): Uncertain significance. Review status: criteria provided, multiple submitters, no conflicts (2 of 4 stars). 2 submissions from 2 submitters: Uncertain significance (2). Last evaluated 2025-08-22.

Conditions:
Inborn genetic diseases. Identifiers: MedGen C0950123, MeSH D030342.
Sphingolipid activator protein 1 deficiency. Also called: METACHROMATIC LEUKODYSTROPHY DUE TO CEREBROSIDE SULFATASE ACTIVATOR DEFICIENCY; Saposin B Deficiency; Metachromatic leukodystrophy due to saposin B deficiency. Identifiers: Orphanet 512, MedGen C0268262, MONDO:0009590, OMIM 249900.

Allele frequency attached by ClinVar (database versions not stated): ExAC 0.00001; TOPMed 0.00002; gnomAD 0.00003; gnomAD exomes 0.00010; 1000 Genomes Project 30x 0.00016; 1000 Genomes Project 0.00020.

Submissions (2):

Ambry Genetics
Classification: Uncertain significance for Inborn genetic diseases. Last evaluated: 2025-08-22. Review status: criteria provided, single submitter. Criteria: Ambry Variant Classification Scheme 2023. Collection method: clinical testing. Allele origin: germline.

Labcorp Genetics (formerly Invitae), Labcorp
Classification: Uncertain significance for Sphingolipid activator protein 1 deficiency. Last evaluated: 2022-04-07. Review status: criteria provided, single submitter. Criteria: Invitae Variant Classification Sherloc (09022015). Collection method: clinical testing. Allele origin: germline.
Comment: This sequence change replaces arginine, which is basic and polar, with tryptophan, which is neutral and slightly polar, at codon 392 of the PSAP protein (p.Arg392Trp). This variant is present in population databases (rs554525095, gnomAD 0.006%). This variant has not been reported in the literature in individuals affected with PSAP-related conditions. Algorithms developed to predict the effect of missense changes on protein structure and function are either unavailable or do not agree on the potential impact of this missense change (SIFT: "Not Available"; PolyPhen-2: "Possibly Damaging"; Align-GVGD: "Not Available"). In summary, the available evidence is currently insufficient to determine the role of this variant in disease. Therefore, it has been classified as a Variant of Uncertain Significance.